The following is an entry in ClinVar:

ClinVar aggregate classification (germline): Uncertain significance (1 of 4 stars; one submission).

Conditions:
CHARGE syndrome (CHARGE). Also called: Hittner Hirsch Kreh syndrome; CHARGE ASSOCIATION--COLOBOMA, HEART ANOMALY, CHOANAL ATRESIA, RETARDATION, GENITAL AND EAR ANOMALIES; Coloboma, heart anomaly, choanal atresia, retardation, genital and ear anomalies; CHARGE association; Hall-Hittner syndrome. Identifiers: Orphanet 138, MedGen C0265354, MONDO:0008965.

Submission:

Labcorp Genetics (formerly Invitae), Labcorp
Classification: Uncertain significance for CHARGE syndrome. Last evaluated: 2025-12-29. Review status: criteria provided, single submitter. Criteria: Invitae Variant Classification Sherloc (09022015). Collection method: clinical testing. Allele origin: germline.
Comment: This sequence change replaces histidine, which is basic and polar, with arginine, which is basic and polar, at codon 765 of the SEMA3E protein (p.His765Arg). This variant is not present in population databases (gnomAD no frequency). This variant has not been reported in the literature in individuals affected with SEMA3E-related conditions. An algorithm developed to predict the effect of missense changes on protein structure and function outputs the following: PolyPhen-2: "Benign". The arginine amino acid residue is found in multiple mammalian species, which suggests that this missense change does not adversely affect protein function. In summary, the available evidence is currently insufficient to determine the role of this variant in disease. Therefore, it has been classified as a Variant of Uncertain Significance.

NM_012431.3(SEMA3E):c.2294A>G (p.His765Arg)

Gene: SEMA3E (semaphorin 3E; minus strand). Cytogenetic location: 7q21.11.
Variant type: single nucleotide variant.
Coding change: c.2294A>G on transcript NM_012431.3 (MANE Select); coding-DNA position 2294, A replaced by G.
Protein change: p.His765Arg; replaces histidine 765 with arginine.
Molecular consequence: missense variant.
Genome position (GRCh38, 1-based): chr7:83,367,620, T>C on the plus strand (A>G on the coding strand, the complement: SEMA3E is on the minus strand). VCF-style: chr7-83367620-T-C. GRCh37 (hg19) VCF-style: chr7-82996936-T-C.
Other names: c.2114A>G, p.His705Arg (NM_001178129.2); short protein forms H705R, H765R.
Identifiers: ClinVar variation 4797313 (VCV004797313.1).